The following is an entry in ClinVar:

NM_007294.4(BRCA1):c.134+296C>T

Gene: BRCA1 (BRCA1 DNA repair associated; minus strand). Cytogenetic location: 17q21.31.
Variant type: single nucleotide variant.
Coding change: c.134+296C>T on transcript NM_007294.4 (MANE Select); 296 bases into the intron after coding-DNA position 134, C replaced by T.
Molecular consequence: intron variant.
Genome position (GRCh38, 1-based): chr17:43,115,430, G>A on the plus strand (C>T on the coding strand, the complement: BRCA1 is on the minus strand). VCF-style: chr17-43115430-G-A. GRCh37 (hg19) VCF-style: chr17-41267447-G-A.
Other names: IVS 3+296C>T; c.-8+296C>T (NM_001407737.1, NM_001407728.1, NM_001407846.1 and 47 more transcripts); c.-124+296C>T (NM_001407746.1, NM_001408468.1, NM_001407842.1 and 13 more transcripts); c.-8+8587C>T (NM_001408461.1, NM_001407738.1, NM_001407932.1 and 23 more transcripts); c.-55+296C>T (NM_001407886.1, NM_001408509.1, NM_001408508.1 and 52 more transcripts); c.134+296C>T (NM_001407686.1, NM_001408397.1, NM_001407632.1 and 191 more transcripts); c.80+8587C>T (NM_001408451.1); c.-55+8587C>T (NM_001407898.1, NM_001407881.1, NM_001407902.1); and 11 more.
Identifiers: ClinVar variation 209533 (VCV000209533.2), dbSNP rs139405471, ClinGen allele CA276502.

ClinVar aggregate classification (germline): Benign (3 of 4 stars; one submission).

Conditions:
Breast-ovarian cancer, familial, susceptibility to, 1 (BROVCA1). Also called: BRCA1 Hereditary Breast and Ovarian Cancer; OVARIAN CANCER, SUSCEPTIBILITY TO. Identifiers: Orphanet 145, MedGen C2676676, MONDO:0011450, OMIM 604370. Disease mechanism: loss of function.

Allele frequency attached by ClinVar (database versions not stated): gnomAD 0.00032; TOPMed 0.00043; 1000 Genomes Project 0.00140; 1000 Genomes Project 30x 0.00141.
gnomAD v4.1: 50 of 151,898 alleles (0.033%); highest among the groups gnomAD compares: African/African-American, 0.11%; no homozygotes.

Submission:

Evidence-based Network for the Interpretation of Germline Mutant Alleles (ENIGMA)
Classification: Benign for Breast-ovarian cancer, familial 1. Last evaluated: 2015-01-12. Review status: reviewed by expert panel. Criteria: ENIGMA BRCA1/2 Classification Criteria (2015). Collection method: curation. Allele origin: germline.
Comment: Class 1 not pathogenic based on frequency >1% in an outbred sampleset. Frequency 0.01049 (Asian), 0.01829 (African), derived from 1000 genomes (2012-04-30).